The following is an entry in ClinVar:

ClinVar aggregate classification (germline): other (0 of 4 stars; one submission).

Conditions:
Familial colorectal cancer. Identifiers: MedGen CN280943, MONDO:0023113. Disease mechanism: loss of function.

Submission:

Systems Biology Platform Zhejiang California International NanoSystems Institute
Classification: other for Familial colorectal cancer. Review status: no assertion criteria provided. Collection method: not provided. Allele origin: unknown.
ClinVar note: Converted during submission from cancer to other.

NM_000038.6(APC):c.1744-486G>T

Gene: APC (APC regulator of WNT signaling pathway; plus strand). Cytogenetic location: 5q22.2.
Variant type: single nucleotide variant.
Coding change: c.1744-486G>T on transcript NM_000038.6 (MANE Select); 486 bases into the intron before coding-DNA position 1744, G replaced by T.
Molecular consequence: intron variant.
Genome position (GRCh38, 1-based): chr5:112,834,465, G>T. VCF-style: chr5-112834465-G-T. GRCh37 (hg19) VCF-style: chr5-112170162-G-T.
Other names: c.1744-486G>T (NM_001354895.2, NM_001127510.3); c.1774-486G>T (NM_001354897.2); c.1471-486G>T (NM_001354902.2); c.1690-486G>T (NM_001127511.3); c.1669-486G>T (NM_001354898.2); c.1366-486G>T (NM_001354904.2); c.895-486G>T (NM_001354906.2); c.1798-486G>T (NM_001354896.2); and 5 more.
Identifiers: ClinVar variation 83205 (VCV000083205.2), dbSNP rs75714389, ClinGen allele CA005906.
Genomic context (GRCh38, chr5:112,834,465, plus strand): 5'-CTAATTTTTTTTTGTATTTTTGTAGAGACGGGGTTTTACCACATTGGCGAGGCTGGTCTT[G>T]AACTCCTGACCTCAGATGATCCACCCGTCAGCCTCCCAAAGTGCTGGGATTACAGGCATG-3'